The following is an entry in ClinVar:

ClinVar aggregate classification (germline): Likely pathogenic (1 of 4 stars; one submission).

Conditions:
MC4R-related disorder. Also called: MC4R-related condition.

Submission:

PreventionGenetics, part of Exact Sciences
Classification: Likely pathogenic for MC4R-related condition. Last evaluated: 2024-12-04. Review status: criteria provided, single submitter. Criteria: ACMG Guidelines, 2015. Collection method: clinical testing. Allele origin: germline.
Comment: The MC4R c.282delC variant is predicted to result in a frameshift and premature protein termination (p.Ser94Argfs*14). To our knowledge, this variant has not been reported in the literature or in a large population database (gnomAD), indicating this variant is rare. Frameshift variants in MC4R are expected to be pathogenic. This variant is interpreted as likely pathogenic.

NM_005912.3(MC4R):c.282del (p.Ser94fs)

Gene: MC4R (melanocortin 4 receptor; minus strand). Cytogenetic location: 18q21.32.
Variant type: Deletion.
Coding change: c.282del on transcript NM_005912.3 (MANE Select); coding-DNA position 282, one base deleted (C; older notation c.282delC).
Protein change: p.Ser94fs; shifts the reading frame from serine 94.
Molecular consequence: frameshift variant.
Genome position (GRCh38, 1-based): chr18:60,372,068, G deleted on the plus strand (C on the coding strand, the reverse complement: MC4R is on the minus strand). VCF-style (leftmost placement, unchanged base first): chr18-60372067-CG-C. GRCh37 (hg19) VCF-style: chr18-58039300-CG-C.
Other names: short protein forms S94fs.
Identifiers: ClinVar variation 5000370 (VCV005000370.1).